The following is an entry in ClinVar:

NM_021098.3(CACNA1H):c.3577C>G (p.Leu1193Val)

Gene: CACNA1H (calcium voltage-gated channel subunit alpha1 H; plus strand). Cytogenetic location: 16p13.3.
Variant type: single nucleotide variant.
Coding change: c.3577C>G on transcript NM_021098.3 (MANE Select); coding-DNA position 3577, C replaced by G.
Protein change: p.Leu1193Val; replaces leucine 1193 with valine.
Molecular consequence: missense variant.
Genome position (GRCh38, 1-based): chr16:1,209,245, C>G. VCF-style: chr16-1209245-C-G. GRCh37 (hg19) VCF-style: chr16-1259245-C-G.
Other names: c.3577C>G, p.Leu1193Val (NM_001005407.2); short protein forms L1193V.
Identifiers: ClinVar variation 1433137 (VCV001433137.9), dbSNP rs1461904626, ClinGen allele CA394174035.

ClinVar aggregate classification (germline): Uncertain significance. Review status: criteria provided, multiple submitters, no conflicts (2 of 4 stars). 2 submissions from 2 submitters: Uncertain significance (2). Last evaluated 2022-07-12.

Conditions:
Epilepsy, childhood absence, susceptibility to, 6. Identifiers: Orphanet 64280, MedGen C2749872, MONDO:0012763, OMIM 611942.
Hyperaldosteronism, familial, type IV (HALD4). Also called: FH IV; ALDOSTERONISM, PRIMARY, AND HYPERTENSION. Identifiers: Orphanet 642671, MedGen C4310756, MONDO:0014875, OMIM 617027.
Idiopathic generalized epilepsy. Also called: Generalised epilepsy; EIG. Identifiers: MedGen C0270850, MONDO:0005579, OMIM 600669.

gnomAD v4.1: 8 of 1,544,778 alleles (0.00052%); highest among the groups gnomAD compares: Non-Finnish European, 0.0007%; no homozygotes.

Submissions (2):

Labcorp Genetics (formerly Invitae), Labcorp
Classification: Uncertain significance for Idiopathic generalized epilepsy; Hyperaldosteronism, familial, type IV. Last evaluated: 2022-07-12. Review status: criteria provided, single submitter. Criteria: Invitae Variant Classification Sherloc (09022015). Collection method: clinical testing. Allele origin: germline.
Comment: This sequence change replaces leucine, which is neutral and non-polar, with valine, which is neutral and non-polar, at codon 1193 of the CACNA1H protein (p.Leu1193Val). In summary, the available evidence is currently insufficient to determine the role of this variant in disease. Therefore, it has been classified as a Variant of Uncertain Significance. Algorithms developed to predict the effect of sequence changes on RNA splicing suggest that this variant may create or strengthen a splice site. Advanced modeling of protein sequence and biophysical properties (such as structural, functional, and spatial information, amino acid conservation, physicochemical variation, residue mobility, and thermodynamic stability) performed at Invitae indicates that this missense variant is not expected to disrupt CACNA1H protein function. ClinVar contains an entry for this variant (Variation ID: 1433137). This variant has not been reported in the literature in individuals affected with CACNA1H-related conditions. This variant is not present in population databases (gnomAD no frequency).

Fulgent Genetics
Classification: Uncertain significance for Epilepsy, childhood absence, susceptibility to, 6; Hyperaldosteronism, familial, type IV. Last evaluated: 2021-11-18. Review status: criteria provided, single submitter. Criteria: ACMG Guidelines, 2015. Collection method: clinical testing. Allele origin: unknown.